The following is an entry in ClinVar:

NM_016204.4(GDF2):c.550A>G (p.Ser184Gly)

Gene: GDF2 (growth differentiation factor 2; plus strand). Cytogenetic location: 10q11.22.
Variant type: single nucleotide variant.
Coding change: c.550A>G on transcript NM_016204.4 (MANE Select); coding-DNA position 550, A replaced by G.
Protein change: p.Ser184Gly; replaces serine 184 with glycine.
Molecular consequence: missense variant.
Genome position (GRCh38, 1-based): chr10:47,325,044, A>G. VCF-style: chr10-47325044-A-G. GRCh37 (hg19) VCF-style: chr10-48414318-T-C.
Other names: short protein forms S184G.
Identifiers: ClinVar variation 2631161 (VCV002631161.1), dbSNP rs2549019575, ClinGen allele CA376654937.
Genomic context (GRCh38, chr10:47,325,044, plus strand): 5'-CATGACCTGAAAGGAAGCGTGGTCATTTATGATGTTCTGGATGGAACAGATGCCTGGGAT[A>G]GTGCTACAGAGACCAAGACCTTCCTGGTGTCCCAGGACATTCAGGATGAGGGCTGGGAGA-3'
Protein context (NP_057288.1, residues 174-194): DVLDGTDAWD[Ser184Gly]ATETKTFLVS

ClinVar aggregate classification (germline): Uncertain significance (1 of 4 stars; one submission).

Conditions:
GDF2-related disorder. Also called: GDF2-related condition.

Allele frequency attached by ClinVar (database versions not stated): gnomAD exomes below 0.00001.

Submission:

PreventionGenetics, part of Exact Sciences
Classification: Uncertain significance for GDF2-related condition. Last evaluated: 2023-08-23. Review status: criteria provided, single submitter. Criteria: ACMG Guidelines, 2015. Collection method: clinical testing. Allele origin: germline.
Comment: The GDF2 c.550A>G variant is predicted to result in the amino acid substitution p.Ser184Gly. To our knowledge, this variant has not been reported in the literature or in a large population database, indicating this variant is rare. At this time, the clinical significance of this variant is uncertain due to the absence of conclusive functional and genetic evidence.